The following is an entry in ClinVar:

ClinVar aggregate classification (germline): Pathogenic/Likely pathogenic. Review status: criteria provided, multiple submitters, no conflicts (2 of 4 stars). 3 submissions from 3 submitters: Pathogenic (2); Likely pathogenic (1). Last evaluated 2022-10-27.

Conditions:
Hereditary cancer-predisposing syndrome. Also called: Neoplastic Syndromes, Hereditary; Tumor predisposition; Hereditary Cancer Syndrome; Hereditary neoplastic syndrome. Identifiers: Orphanet 140162, MedGen C0027672, MeSH D009386, MONDO:0015356.
Familial cancer of breast. Also called: Hereditary breast cancer; hereditary breast carcinoma; BREAST CANCER, FAMILIAL. Identifiers: Orphanet 227535, MedGen C0346153, MONDO:0016419, OMIM 114480. Disease mechanism: loss of function.
Ataxia-telangiectasia syndrome (AT). Also called: Ataxia telangiectasia (A-T); ATAXIA-TELANGIECTASIA, COMPLEMENTATION GROUP A; ATAXIA-TELANGIECTASIA, FRESNO VARIANT; Ataxia-telangiectasia; Ataxia-telangiectasia, complementation group E; LOUIS-BAR SYNDROME. Identifiers: Orphanet 100, MedGen C0004135, MONDO:0008840, OMIM 208900.

Submissions (3):

Baylor Genetics
Classification: Likely pathogenic for Familial cancer of breast. Last evaluated: 2022-10-27. Review status: criteria provided, single submitter. Criteria: ACMG Guidelines, 2015. Collection method: clinical testing. Allele origin: unknown.

Ambry Genetics
Classification: Pathogenic for Hereditary cancer-predisposing syndrome. Last evaluated: 2020-07-29. Review status: criteria provided, single submitter. Criteria: Ambry Variant Classification Scheme 2023. Collection method: clinical testing. Allele origin: germline.
Comment: The p.Y2852* pathogenic mutation (also known as c.8556T>G), located in coding exon 57 of the ATM gene, results from a T to G substitution at nucleotide position 8556. This changes the amino acid from a tyrosine to a stop codon within coding exon 57. This alteration is expected to result in loss of function by premature protein truncation or nonsense-mediated mRNA decay. As such, this alteration is interpreted as a disease-causing mutation.

Labcorp Genetics (formerly Invitae), Labcorp
Classification: Pathogenic for Ataxia-telangiectasia syndrome. Last evaluated: 2020-03-09. Review status: criteria provided, single submitter. Criteria: Invitae Variant Classification Sherloc (09022015). Collection method: clinical testing. Allele origin: germline.
Comment: This sequence change creates a premature translational stop signal (p.Tyr2852*) in the ATM gene. It is expected to result in an absent or disrupted protein product. This variant is not present in population databases (ExAC no frequency). This variant has not been reported in the literature in individuals with ATM-related conditions. Loss-of-function variants in ATM are known to be pathogenic (PMID: 23807571, 25614872). For these reasons, this variant has been classified as Pathogenic.

Literature cited by the submitters: PubMed 23807571 (cited by Labcorp Genetics (formerly Invitae), Labcorp); PubMed 25614872 (cited by Labcorp Genetics (formerly Invitae), Labcorp).

NM_000051.4(ATM):c.8556T>G (p.Tyr2852Ter)

Genes: ATM (ATM serine/threonine kinase; plus strand), C11orf65 (chromosome 11 open reading frame 65; minus strand). Cytogenetic location: 11q22.3.
Variant type: single nucleotide variant.
Coding change: c.8556T>G on transcript NM_000051.4 (MANE Select); coding-DNA position 8556, T replaced by G.
Protein change: p.Tyr2852Ter; replaces tyrosine 2852 with a stop codon.
Molecular consequence: nonsense. On other transcripts: intron variant (2).
Genome position (GRCh38, 1-based): chr11:108,345,880, T>G. VCF-style: chr11-108345880-T-G. GRCh37 (hg19) VCF-style: chr11-108216607-T-G.
Other names: c.8556T>G, p.Tyr2852Ter (NM_001351834.2); c.641-36809A>C (NM_001330368.2); c.695-10588A>C (NM_001351110.2); short protein forms Y2852*.
Identifiers: ClinVar variation 1069521 (VCV001069521.10), dbSNP rs779394254, ClinGen allele CA382518531.